The following is an entry in ClinVar:

ClinVar aggregate classification (germline): Conflicting classifications of pathogenicity. Review status: criteria provided, conflicting classifications (1 of 4 stars). 3 submissions from 3 submitters: Likely pathogenic (2); Uncertain significance (1). Last evaluated 2025-03-05.

Conditions:
Retinitis pigmentosa 13 (RP13). Also called: PRPF 8-Related Retinitis Pigmentosa. Identifiers: Orphanet 791, MedGen C1838702, MONDO:0010806, OMIM 600059.
Retinal dystrophy. Also called: Inherited retinal dystrophy. Identifiers: Orphanet 71862, MedGen C0854723, MeSH D058499, MONDO:0019118, HP:0000556.

Submissions (3):

Labcorp Genetics (formerly Invitae), Labcorp
Classification: Likely pathogenic. Last evaluated: 2025-03-05. Review status: criteria provided, single submitter. Criteria: Invitae Variant Classification Sherloc (09022015). Collection method: clinical testing. Allele origin: germline.
Comment: This sequence change replaces glutamic acid, which is acidic and polar, with lysine, which is basic and polar, at codon 2331 of the PRPF8 protein (p.Glu2331Lys). This variant is not present in population databases (gnomAD no frequency). This missense change has been observed in individual(s) with autosomal dominant retinitis pigmentosa (PMID: 37734845; internal data). In at least one individual the variant was observed to be de novo. ClinVar contains an entry for this variant (Variation ID: 803296). An algorithm developed to predict the effect of missense changes on protein structure and function (PolyPhen-2) suggests that this variant is likely to be tolerated. This variant disrupts the p.Glu2331 amino acid residue in PRPF8. Other variant(s) that disrupt this residue have been observed in individuals with PRPF8-related conditions (PMID: 22277662), which suggests that this may be a clinically significant amino acid residue. In summary, the currently available evidence indicates that the variant is pathogenic, but additional data are needed to prove that conclusively. Therefore, this variant has been classified as Likely Pathogenic.

Dept Of Ophthalmology, Nagoya University
Classification: Uncertain significance for Retinal dystrophy. Last evaluated: 2023-10-01. Review status: criteria provided, single submitter. Criteria: Submitter's publication. Collection method: research. Allele origin: germline. Affected: yes.

Mendelics
Classification: Likely pathogenic for Retinitis pigmentosa 13. Last evaluated: 2019-05-28. Review status: criteria provided, single submitter. Criteria: Mendelics Assertion Criteria 2017. Collection method: clinical testing. Allele origin: unknown.

Literature cited by the submitters: PubMed 37734845 (cited by Labcorp Genetics (formerly Invitae), Labcorp); PubMed 22277662 (cited by Labcorp Genetics (formerly Invitae), Labcorp).

NM_006445.4(PRPF8):c.6991G>A (p.Glu2331Lys)

Gene: PRPF8 (pre-mRNA processing factor 8; minus strand). Cytogenetic location: 17p13.3.
Variant type: single nucleotide variant.
Coding change: c.6991G>A on transcript NM_006445.4 (MANE Select); coding-DNA position 6991, G replaced by A.
Protein change: p.Glu2331Lys; replaces glutamic acid 2331 with lysine.
Molecular consequence: missense variant.
Genome position (GRCh38, 1-based): chr17:1,650,819, C>T on the plus strand (G>A on the coding strand, the complement: PRPF8 is on the minus strand). VCF-style: chr17-1650819-C-T. GRCh37 (hg19) VCF-style: chr17-1554113-C-T.
Other names: short protein forms E2331K.
Identifiers: ClinVar variation 803296 (VCV000803296.3), dbSNP rs1597223220, ClinGen allele CA397561739.
Genomic context (GRCh38, chr17:1,650,819, plus strand): 5'-AGGCTTCGGCCTCGGGAGGCTGAAGCAGGAGGCAGGGAAACGGTCAGGCATACAGGTCCT[C>T]CCGATCCGCAGAGTAAACCTCCCCCTCCTGCAGGAGAGCAAAGTTGAGGAAGTGAGAGGG-3'
Protein context (NP_006436.3, residues 2321-2335): QEGEVYSADR[Glu2331Lys]DLYA